The following is an entry in ClinVar:

ClinVar aggregate classification (germline): Uncertain significance (1 of 4 stars; one submission).

Allele frequency attached by ClinVar (database versions not stated): ExAC 0.00001; gnomAD exomes 0.00001.
gnomAD v4.1: 9 of 1,605,854 alleles (0.00056%); highest among the groups gnomAD compares: Non-Finnish European, 0.00076%; no homozygotes.

Submission:

Ambry Genetics
Classification: Uncertain significance. Last evaluated: 2024-07-27. Review status: criteria provided, single submitter. Criteria: Ambry Variant Classification Scheme 2023. Collection method: clinical testing. Allele origin: germline.
Comment: The p.K147E variant (also known as c.439A>G), located in coding exon 3 of the MNDA gene, results from an A to G substitution at nucleotide position 439. The lysine at codon 147 is replaced by glutamic acid, an amino acid with similar properties. This amino acid position is conserved. In addition, this alteration is predicted to be tolerated by in silico analysis. Since supporting evidence is limited at this time, the clinical significance of this alteration remains unclear.

NM_002432.3(MNDA):c.439A>G (p.Lys147Glu)

Gene: MNDA (myeloid cell nuclear differentiation antigen; plus strand). Cytogenetic location: 1q23.1.
Variant type: single nucleotide variant.
Coding change: c.439A>G on transcript NM_002432.3 (MANE Select); coding-DNA position 439, A replaced by G.
Protein change: p.Lys147Glu; replaces lysine 147 with glutamic acid.
Molecular consequence: missense variant.
Genome position (GRCh38, 1-based): chr1:158,843,991, A>G. VCF-style: chr1-158843991-A-G. GRCh37 (hg19) VCF-style: chr1-158813781-A-G.
Other names: short protein forms K147E.
Identifiers: ClinVar variation 1740267 (VCV001740267.3), dbSNP rs751989369, ClinGen allele CA1185594.
Genomic context (GRCh38, chr1:158,843,991, plus strand): 5'-ACAGGAAAATTAAACTACTTTCAGAAAAGAAAAACTCCAAACAAAGAAAAGACTGAAGCC[A>G]AAAGGAATAAGGTGTCCCAAGAGCAGAGTAAGCCCCCAGGTCCCTCAGGAGCCAGCACAT-3'
Protein context (NP_002423.1, residues 137-157): KTPNKEKTEA[Lys147Glu]RNKVSQEQSK